The following is an entry in ClinVar:

ClinVar aggregate classification (germline): Uncertain significance (1 of 4 stars; one submission).

Conditions:
Heterotopia, periventricular, X-linked dominant (PVNH1). Also called: PERIVENTRICULAR NODULAR HETEROTOPIA 1; X-linked periventricular heterotopia; PERIVENTRICULAR NODULAR HETEROTOPIA 4; HETEROTOPIA, PERIVENTRICULAR, 1. Identifiers: Orphanet 2149, Orphanet 82004, MedGen C1848213, MONDO:0010233, OMIM 300049.
Melnick-Needles syndrome (MNS). Also called: MELNICK-NEEDLES OSTEODYSPLASTY; OSTEODYSPLASTY OF MELNICK AND NEEDLES; Melnick-Needles Syndrome (FLNA-MNS). Identifiers: Orphanet 2484, MedGen C0025237, MONDO:0010650, OMIM 309350.
Frontometaphyseal dysplasia (FMD1). Identifiers: Orphanet 1826, MedGen C0265293, MONDO:0015942.
Oto-palato-digital syndrome, type II (OPD2). Also called: FACIOPALATOOSSEOUS SYNDROME; OPD II SYNDROME; Otopalatodigital Syndrome Type 2 (FLNA-OPD2); Otopalatodigital Syndrome, Type II. Identifiers: Orphanet 669, Orphanet 90652, MedGen C1844696, MONDO:0010571, OMIM 304120.

gnomAD v4.1: 2 of 1,211,368 alleles (0.00017%); highest among the groups gnomAD compares: African/African-American, 0.0035%; no homozygotes.

Submission:

Labcorp Genetics (formerly Invitae), Labcorp
Classification: Uncertain significance for Oto-palato-digital syndrome, type II; Heterotopia, periventricular, X-linked dominant; Frontometaphyseal dysplasia; Melnick-Needles syndrome. Last evaluated: 2025-09-20. Review status: criteria provided, single submitter. Criteria: Invitae Variant Classification Sherloc (09022015). Collection method: clinical testing. Allele origin: germline.
Comment: This sequence change replaces glycine, which is neutral and non-polar, with tryptophan, which is neutral and slightly polar, at codon 1025 of the FLNA protein (p.Gly1025Trp). This variant is not present in population databases (gnomAD no frequency). This variant has not been reported in the literature in individuals affected with FLNA-related conditions. Invitae Evidence Modeling of protein sequence and biophysical properties (such as structural, functional, and spatial information, amino acid conservation, physicochemical variation, residue mobility, and thermodynamic stability) indicates that this missense variant is not expected to disrupt FLNA protein function with a negative predictive value of 95%. In summary, the available evidence is currently insufficient to determine the role of this variant in disease. Therefore, it has been classified as a Variant of Uncertain Significance.

NM_001110556.2(FLNA):c.3073G>T (p.Gly1025Trp)

Gene: FLNA (filamin A; minus strand). Cytogenetic location: Xq28.
Variant type: single nucleotide variant.
Coding change: c.3073G>T on transcript NM_001110556.2 (MANE Select); coding-DNA position 3073, G replaced by T.
Protein change: p.Gly1025Trp; replaces glycine 1025 with tryptophan.
Molecular consequence: missense variant.
Genome position (GRCh38, 1-based): chrX:154,361,442, C>A on the plus strand (G>T on the coding strand, the complement: FLNA is on the minus strand). VCF-style: chrX-154361442-C-A. GRCh37 (hg19) VCF-style: chrX-153589810-C-A.
Other names: c.3073G>T, p.Gly1025Trp (NM_001456.4); short protein forms G1025W.
Identifiers: ClinVar variation 4792335 (VCV004792335.1).